The following is an entry in ClinVar:

ClinVar aggregate classification (germline): Pathogenic (1 of 4 stars; one submission).

Conditions:
Saldino-Mainzer syndrome (SRTD9). Also called: CONORENAL SYNDROME; Renal dysplasia, retinal pigmentary dystrophy, cerebellar ataxia and skeletal dysplasia; SHORT-RIB THORACIC DYSPLASIA 9 WITHOUT POLYDACTYLY; short-rib thoracic dysplasia 9 with or without polydactyly. Identifiers: Orphanet 140969, MedGen C1849437, MONDO:0009964, OMIM 266920.

Submission:

Labcorp Genetics (formerly Invitae), Labcorp
Classification: Pathogenic for Saldino-Mainzer syndrome. Last evaluated: 2025-04-16. Review status: criteria provided, single submitter. Criteria: Invitae Variant Classification Sherloc (09022015). Collection method: clinical testing. Allele origin: germline.
Comment: This sequence change creates a premature translational stop signal (p.Leu765Trpfs*21) in the IFT140 gene. It is expected to result in an absent or disrupted protein product. Loss-of-function variants in IFT140 are known to be pathogenic (PMID: 22503633, 23418020, 24009529, 26216056). This variant is not present in population databases (gnomAD no frequency). This variant has not been reported in the literature in individuals affected with IFT140-related conditions. ClinVar contains an entry for this variant (Variation ID: 2842973). For these reasons, this variant has been classified as Pathogenic.

Literature cited by the submitters: PubMed 22503633; PubMed 23418020; PubMed 24009529; PubMed 26216056.

NM_014714.4(IFT140):c.2292del (p.Leu765fs)

Gene: IFT140 (intraflagellar transport 140; minus strand). Cytogenetic location: 16p13.3.
Variant type: Deletion.
Coding change: c.2292del on transcript NM_014714.4 (MANE Select); coding-DNA position 2292, one base deleted (G; older notation c.2292delG).
Protein change: p.Leu765fs; shifts the reading frame from leucine 765.
Molecular consequence: frameshift variant.
Genome position (GRCh38, 1-based): chr16:1,558,042, C deleted on the plus strand (G on the coding strand, the reverse complement: IFT140 is on the minus strand); the first of 4 consecutive C bases (chr16:1,558,042-1,558,045); deleting any one gives the same sequence. VCF-style (leftmost placement, unchanged base first): chr16-1558041-GC-G. GRCh37 (hg19) VCF-style: chr16-1608042-GC-G.
Other names: short protein forms L765fs.
Identifiers: ClinVar variation 2842973 (VCV002842973.3), dbSNP rs2507089875, ClinGen allele CA2739269859.